The following is an entry in ClinVar:

ClinVar aggregate classification (germline): Conflicting classifications of pathogenicity. Review status: criteria provided, conflicting classifications (1 of 4 stars). 3 submissions from 3 submitters: Uncertain significance (1); Benign (1). 1 of the submissions does not count toward it. Last evaluated 2021-10-09.

Conditions:
Hereditary breast ovarian cancer syndrome. Also called: Hereditary breast and/or ovarian cancer syndrome; BRCA1- and BRCA2-Associated Hereditary Breast and Ovarian Cancer; Hereditary breast and ovarian cancer syndrome; Hereditary breast and ovarian cancer; Hereditary breast and ovarian cancer syndrome (HBOC); Breast and ovarian cancer. Identifiers: Orphanet 145, MedGen C0677776, MeSH D061325, MONDO:0003582. Disease mechanism: loss of function.
Malignant tumor of breast. Also called: Malignant breast neoplasm; Cancer breast. Identifiers: MedGen C0006142, MONDO:0007254. Disease mechanism: loss of function.
Hereditary cancer-predisposing syndrome. Also called: Tumor predisposition; Hereditary Cancer Syndrome; Hereditary neoplastic syndrome; Neoplastic Syndromes, Hereditary. Identifiers: Orphanet 140162, MedGen C0027672, MeSH D009386, MONDO:0015356.

Submissions (4):

Labcorp Genetics (formerly Invitae), Labcorp
Classification: Uncertain significance for Hereditary breast ovarian cancer syndrome. Last evaluated: 2021-10-09. Review status: criteria provided, single submitter. Criteria: Invitae Variant Classification Sherloc (09022015). Collection method: clinical testing. Allele origin: germline.
Comment: In summary, the available evidence is currently insufficient to determine the role of this variant in disease. Therefore, it has been classified as a Variant of Uncertain Significance. Algorithms developed to predict the effect of sequence changes on RNA splicing suggest that this variant may create or strengthen a splice site. Experimental studies have shown that this missense change does not substantially affect BRCA1 function (PMID: 12732733, 30209399). Algorithms developed to predict the effect of missense changes on protein structure and function output the following: SIFT: "Tolerated"; PolyPhen-2: "Benign"; Align-GVGD: "Class C0". The arginine amino acid residue is found in multiple mammalian species, which suggests that this missense change does not adversely affect protein function. ClinVar contains an entry for this variant (Variation ID: 865152). This variant has not been reported in the literature in individuals affected with BRCA1-related conditions. This variant is not present in population databases (ExAC no frequency). This sequence change replaces lysine with arginine at codon 45 of the BRCA1 protein (p.Lys45Arg). The lysine residue is moderately conserved and there is a small physicochemical difference between lysine and arginine.

Ambry Genetics
Classification: Benign for Hereditary cancer-predisposing syndrome. Last evaluated: 2021-07-19. Review status: criteria provided, single submitter. Criteria: Ambry Variant Classification Scheme 2023. Collection method: clinical testing. Allele origin: germline.

Brotman Baty Institute, University of Washington
No classification provided (evidence only). Condition: Breast-ovarian cancer, familial 1. Review status: no classification provided. Collection method: in vitro. Allele origin: not applicable. Functional consequence: functionally_normal. Not counted in ClinVar's aggregate classification.
ClinVar note: "not provided" was previously submitted as the classification for the variant. However, the classification appeared to be based only on an observation of functional data so it was converted to no classification on 2025-07-30.

Department of Pathology and Laboratory Medicine, Sinai Health System
Classification: Uncertain significance for Malignant tumor of breast. Review status: no assertion criteria provided. Collection method: clinical testing. Allele origin: unknown. Affected: yes. Study: The Canadian Open Genetics Repository (COGR). Not counted in ClinVar's aggregate classification.
Comment: The BRCA1 p.Lys45Arg variant was not identified in the literature nor was it identified in the dbSNP, ClinVar, LOVD 3.0 or UMD-LSDB databases. The variant was not identified in the following control databases: the Exome Aggregation Consortium (August 8th 2016) or the Genome Aggregation Database (Feb 27, 2017). The variant was demonstrated to have no effect on BRCA1/BARD1 heterodimer activity as demonstrated by a ubiquitin-ligase activity assay (Brzovic 2003). The p.Lys45 residue is not conserved in mammals and computational analyses (PolyPhen-2, SIFT, AlignGVGD, BLOSUM, MutationTaster) do not suggest a high likelihood of impact to the protein; however, this information is not predictive enough to rule out pathogenicity. The p.Lys45Arg variant occurs in the last base of the exon, which has been shown to be part of the splicing consensus sequence and variants involving this position sometimes affect splicing. In addition, 3 of 4 in silico or computational prediction software programs (SpliceSiteFinder, MaxEntScan, NNSPLICE, GeneSplicer) predict a greater than 10% difference in splicing. In summary, based on the above information, the clinical significance of this variant cannot be determined with certainty at this time. This variant is classified as a variant of uncertain significance.

Literature cited by the submitters: PubMed 12732733 (cited by Labcorp Genetics (formerly Invitae), Labcorp and Ambry Genetics); PubMed 30209399 (cited by Labcorp Genetics (formerly Invitae), Labcorp and Ambry Genetics).

NM_007294.4(BRCA1):c.134A>G (p.Lys45Arg)

Gene: BRCA1 (BRCA1 DNA repair associated; minus strand). Cytogenetic location: 17q21.31.
Variant type: single nucleotide variant.
Coding change: c.134A>G on transcript NM_007294.4 (MANE Select); coding-DNA position 134, A replaced by G.
Protein change: p.Lys45Arg; replaces lysine 45 with arginine.
Molecular consequence: missense variant. On other transcripts: non-coding transcript variant (1), intron variant (1).
Genome position (GRCh38, 1-based): chr17:43,115,726, T>C on the plus strand (A>G on the coding strand, the complement: BRCA1 is on the minus strand). VCF-style: chr17-43115726-T-C. GRCh37 (hg19) VCF-style: chr17-41267743-T-C.
Other names: c.-55A>G (NM_001407571.1, NM_001407853.1, NM_001407879.1 and 52 more transcripts); c.134A>G, p.Lys45Arg (NM_001407581.1, NM_001407582.1, NM_001407583.1 and 192 more transcripts); c.-124A>G (NM_001407694.1, NM_001407696.1, NM_001407724.1 and 13 more transcripts); c.-128A>G (NM_001407695.1, NM_001408465.1); c.-8A>G (NM_001407697.1, NM_001407725.1, NM_001407728.1 and 47 more transcripts); c.-171A>G (NM_001407889.1, NM_001407900.1, NM_001408492.1); c.-170A>G (NM_001407960.1, NM_001407962.1, NM_001408510.1 and 1 more transcripts); c.-286A>G (NM_001407965.1); and 1 more; short protein forms K45R.
Identifiers: ClinVar variation 865152 (VCV000865152.13), dbSNP rs80356863, ClinGen allele CA10601892.